The following is an entry in ClinVar:

ClinVar aggregate classification (germline): Uncertain significance (1 of 4 stars; one submission).

Allele frequency attached by ClinVar (database versions not stated): ExAC 0.00002; gnomAD 0.00002.
gnomAD v4.1: 18 of 1,613,470 alleles (0.0011%); highest among the groups gnomAD compares: Admixed American, 0.0017%; no homozygotes.

Submission:

Ambry Genetics
Classification: Uncertain significance. Last evaluated: 2023-12-21. Review status: criteria provided, single submitter. Criteria: Ambry Variant Classification Scheme 2023. Collection method: clinical testing. Allele origin: germline.
Comment: The p.T26A variant (also known as c.76A>G), located in coding exon 1 of the BUB3 gene, results from an A to G substitution at nucleotide position 76. The threonine at codon 26 is replaced by alanine, an amino acid with similar properties. This amino acid position is conserved. In addition, this alteration is predicted to be tolerated by in silico analysis. Since supporting evidence is limited at this time, the clinical significance of this alteration remains unclear.

NM_004725.4(BUB3):c.76A>G (p.Thr26Ala)

Genes: BUB3 (BUB3 mitotic checkpoint protein; plus strand), LOC130004885 (ATAC-STARR-seq lymphoblastoid active region 4151; plus strand). Cytogenetic location: 10q26.13.
Variant type: single nucleotide variant.
Coding change: c.76A>G on transcript NM_004725.4 (MANE Select); coding-DNA position 76, A replaced by G.
Protein change: p.Thr26Ala; replaces threonine 26 with alanine.
Molecular consequence: missense variant.
Genome position (GRCh38, 1-based): chr10:123,154,993, A>G. VCF-style: chr10-123154993-A-G. GRCh37 (hg19) VCF-style: chr10-124914509-A-G.
Other names: c.76A>G, p.Thr26Ala (NM_001007793.3); short protein forms T26A.
Identifiers: ClinVar variation 1760193 (VCV001760193.2), dbSNP rs752847658, ClinGen allele CA5731482.